The following is an entry in ClinVar:

NM_001354768.3(NRL):c.147_149del (p.Ser50del)

Gene: NRL (neural retina leucine zipper; minus strand). Cytogenetic location: 14q11.2.
Variant type: Deletion.
Coding change: c.147_149del on transcript NM_001354768.3 (MANE Select); coding-DNA positions 147 to 149, 3 bases deleted (TTC; older notation c.147_149delTTC).
Protein change: p.Ser50del; deletes serine 50.
Molecular consequence: inframe deletion. On other transcripts: intron variant (1).
Genome position (GRCh38, 1-based): chr14:24,082,700-24,082,702, GAA deleted on the plus strand (TTC on the coding strand, the reverse complement: NRL is on the minus strand); deleting any 3 consecutive bases within chr14:24,082,700-24,082,703 gives the same sequence; the c. name uses the placement nearest the transcript's 3' end. VCF-style (leftmost placement, unchanged base first): chr14-24082699-TGAA-T. GRCh37 (hg19) VCF-style: chr14-24551908-TGAA-T.
Other names: c.147_149del, p.Ser50del (NM_001354769.1, NM_006177.5); c.66+81_66+83del (NM_001354770.2); short protein forms S50del.
Identifiers: ClinVar variation 4291979 (VCV004291979.1).

ClinVar aggregate classification (germline): Likely pathogenic (1 of 4 stars; one submission).

Conditions:
Retinitis pigmentosa 27 (RP27). Identifiers: Orphanet 791, MedGen C1834329, MONDO:0013402, OMIM 613750.

Submission:

3billion
Classification: Likely pathogenic for Retinitis pigmentosa 27. Last evaluated: 2025-02-06. Review status: criteria provided, single submitter. Criteria: ACMG Guidelines, 2015. Collection method: clinical testing. Allele origin: germline. Affected: yes.
Comment: The variant is not observed in the gnomAD v4.1.0 dataset. Predicted Consequence/Location: Inframe deletion located in a nonrepeat region: predicted to change the length of the protein and disrupt normal protein function. Functional studies provide moderate evidence of the variant having a damaging effect on the gene or gene product (PMID: 28106895). The variant has been reported to be associated with NRL-related disorder (PMID: 28106895). Therefore, this variant is classified as Likely pathogenic according to the recommendation of ACMG/AMP guideline.

Literature cited by the submitters: PubMed 28106895.